The following is an entry in ClinVar:

ClinVar aggregate classification (germline): Benign/Likely benign. Review status: criteria provided, multiple submitters, no conflicts (2 of 4 stars). 3 submissions from 3 submitters: Benign (1); Likely benign (2). Last evaluated 2026-09-11.

Conditions:
Fanconi anemia complementation group O. Also called: RAD51C-Related Fanconi Anemia. Identifiers: Orphanet 84, MedGen C3150653, MONDO:0013248, OMIM 613390.
Breast-ovarian cancer, familial, susceptibility to, 3. Also called: RAD51C-Related Breast/Ovarian Cancer. Identifiers: Orphanet 145, MedGen C3150659, MONDO:0013253, OMIM 613399.
Hereditary cancer-predisposing syndrome. Also called: Hereditary Cancer Syndrome; Hereditary neoplastic syndrome; Neoplastic Syndromes, Hereditary; Tumor predisposition. Identifiers: Orphanet 140162, MedGen C0027672, MeSH D009386, MONDO:0015356.

Submissions (3):

Ambry Genetics
Classification: Likely benign for Hereditary cancer-predisposing syndrome. Last evaluated: 2026-09-11. Review status: criteria provided, single submitter. Criteria: Ambry Variant Classification Scheme 2023. Collection method: clinical testing. Allele origin: germline.

Labcorp Genetics (formerly Invitae), Labcorp
Classification: Likely benign for Fanconi anemia complementation group O. Last evaluated: 2026-01-04. Review status: criteria provided, single submitter. Criteria: Invitae Variant Classification Sherloc (09022015). Collection method: clinical testing. Allele origin: germline.

Myriad Genetics, Inc.
Classification: Benign for Breast-ovarian cancer, familial, susceptibility to, 3. Last evaluated: 2025-02-14. Review status: criteria provided, single submitter. Criteria: Myriad Autosomal Dominant, Autosomal Recessive and X-Linked Classification Criteria (2023). Collection method: clinical testing. Allele origin: unknown.
Comment: This variant is considered benign. This variant is a silent/synonymous amino acid change and it is not expected to impact splicing.

NM_058216.3(RAD51C):c.396A>G (p.Thr132=)

Gene: RAD51C (RAD51 paralog C; plus strand). Cytogenetic location: 17q22.
Variant type: single nucleotide variant.
Coding change: c.396A>G on transcript NM_058216.3 (MANE Select); coding-DNA position 396, A replaced by G.
Protein change: p.Thr132=; no amino-acid change (threonine 132 retained).
Molecular consequence: synonymous variant. On other transcripts: non-coding transcript variant (2).
Genome position (GRCh38, 1-based): chr17:58,695,181, A>G. VCF-style: chr17-58695181-A-G. GRCh37 (hg19) VCF-style: chr17-56772542-A-G.
Other names: c.396A>G, p.Thr132= (NM_002876.4).
Identifiers: ClinVar variation 3904090 (VCV003904090.3).
Genomic context (GRCh38, chr17:58,695,181, plus strand): 5'-GGGTGGAGTGCCCTTAATGAAAACAACAGAAATTTGTGGTGCACCAGGTGTTGGAAAAAC[A>G]CAATTATGGTAAAATAAAGTGTTCTCCTTTTAAGGGTGGGTTTAATAACATATTATGAAA-3'
Protein context (NP_478123.1, residues 122-142): EICGAPGVGK[Thr132=]QLCMQLAVDV